The following is an entry in ClinVar:

ClinVar aggregate classification (germline): Benign. Review status: criteria provided, single submitter (1 of 4 stars). 2 submissions from 2 submitters: Benign (1). 1 of the submissions does not count toward it. Last evaluated 2025-12-26.

Conditions:
IGSF10-related disorder. Also called: IGSF10-related condition.

Allele frequency attached by ClinVar (database versions not stated): gnomAD exomes 0.00103; ExAC 0.00134; 1000 Genomes Project 0.00280; 1000 Genomes Project 30x 0.00312; gnomAD 0.00400 and 0.00441; TOPMed 0.00468; ESP Exome Variant Server 0.00500.
gnomAD v4.1: 1,183 of 1,614,174 alleles (0.073%); highest among the groups gnomAD compares: African/African-American, 1.4%; 7 homozygotes.

Submissions (2):

Labcorp Genetics (formerly Invitae), Labcorp
Classification: Benign. Last evaluated: 2025-12-26. Review status: criteria provided, single submitter. Criteria: Invitae Variant Classification Sherloc (09022015). Collection method: clinical testing. Allele origin: germline.

PreventionGenetics, part of Exact Sciences
Classification: Likely benign for IGSF10-related condition. Last evaluated: 2019-03-01. Review status: no assertion criteria provided. Collection method: clinical testing. Allele origin: germline. Not counted in ClinVar's aggregate classification.
Comment: This variant is classified as likely benign based on ACMG/AMP sequence variant interpretation guidelines (Richards et al. 2015 PMID: 25741868, with internal and published modifications).

NM_178822.5(IGSF10):c.1991T>C (p.Met664Thr)

Gene: IGSF10 (immunoglobulin superfamily member 10; minus strand). Cytogenetic location: 3q25.1.
Variant type: single nucleotide variant.
Coding change: c.1991T>C on transcript NM_178822.5 (MANE Select); coding-DNA position 1991, T replaced by C.
Protein change: p.Met664Thr; replaces methionine 664 with threonine.
Molecular consequence: missense variant.
Genome position (GRCh38, 1-based): chr3:151,447,990, A>G on the plus strand (T>C on the coding strand, the complement: IGSF10 is on the minus strand). VCF-style: chr3-151447990-A-G. GRCh37 (hg19) VCF-style: chr3-151165778-A-G.
Other names: c.1991T>C (NM_178822.4); c.1991T>C, p.Met664Thr (NM_001385060.1, NM_001385061.1, NM_001385062.1 and 1 more transcripts); short protein forms M664T.
Identifiers: ClinVar variation 1600842 (VCV001600842.10), dbSNP rs151226002, ClinGen allele CA2670433.